The following is an entry in ClinVar:

ClinVar aggregate classification (germline): Uncertain significance. Review status: criteria provided, multiple submitters, no conflicts (2 of 4 stars). 2 submissions from 2 submitters: Uncertain significance (2). Last evaluated 2025-05-12.

Conditions:
Autosomal recessive limb-girdle muscular dystrophy type 2J (LGMDR10). Also called: Limb-girdle muscular dystrophy, type 2J; MUSCULAR DYSTROPHY, LIMB-GIRDLE, AUTOSOMAL RECESSIVE 10. Identifiers: Orphanet 140922, MedGen C1837342, MONDO:0012127, OMIM 608807.
Hypertrophic cardiomyopathy 9. Also called: Familial hypertrophic cardiomyopathy 9. Identifiers: MedGen C1861065, MONDO:0013412, OMIM 613765.
Dilated cardiomyopathy 1G (CMD1G). Identifiers: Orphanet 154, MedGen C1858763, MONDO:0011400, OMIM 604145.
Tibial muscular dystrophy (TMD). Also called: Tibial muscular dystrophy, tardive; Udd Distal Myopathy – Tibial Muscular Dystrophy; UDD MYOPATHY. Identifiers: Orphanet 609, MedGen C1838244, MONDO:0010870, OMIM 600334.
Early-onset myopathy with fatal cardiomyopathy (CMYO5). Also called: Salih Myopathy; CONGENITAL MYOPATHY 5 WITH CARDIOMYOPATHY. Identifiers: Orphanet 289377, MedGen C2673677, MONDO:0012714, OMIM 611705. Disease mechanism: loss of function.
Myopathy, myofibrillar, 9, with early respiratory failure (MFM9). Also called: Hereditary myopathy with early respiratory failure; Myopathy, distal, with early respiratory failure, autosomal dominant; EDSTROM MYOPATHY; MYOPATHY, PROXIMAL, WITH EARLY RESPIRATORY MUSCLE INVOLVEMENT. Identifiers: Orphanet 178464, Orphanet 34521, MedGen C1863599, MONDO:0011362, OMIM 603689.

gnomAD v4.1: 3 of 1,613,966 alleles (0.00019%); highest among the groups gnomAD compares: South Asian, 0.0011%; no homozygotes.

Submissions (2):

Labcorp Genetics (formerly Invitae), Labcorp
Classification: Uncertain significance for Dilated cardiomyopathy 1G; Autosomal recessive limb-girdle muscular dystrophy type 2J. Last evaluated: 2025-05-12. Review status: criteria provided, single submitter. Criteria: Invitae Variant Classification Sherloc (09022015). Collection method: clinical testing. Allele origin: germline.
Comment: This sequence change replaces alanine, which is neutral and non-polar, with proline, which is neutral and non-polar, at codon 34484 of the TTN protein (p.Ala34484Pro). This variant is not present in population databases (gnomAD no frequency). This variant has not been reported in the literature in individuals affected with TTN-related conditions. ClinVar contains an entry for this variant (Variation ID: 958305). Experimental studies and prediction algorithms are not available or were not evaluated, and the functional significance of this variant is currently unknown. This variant is located in the M band of TTN (PMID: 25589632). Non-truncating variants in this region may be relevant for neuromuscular disorders, but have not been definitively shown to cause cardiomyopathy (PMID: 23975875). In summary, the available evidence is currently insufficient to determine the role of this variant in disease. Therefore, it has been classified as a Variant of Uncertain Significance.

Fulgent Genetics
Classification: Uncertain significance for Tibial muscular dystrophy; Myopathy, myofibrillar, 9, with early respiratory failure; Dilated cardiomyopathy 1G; Autosomal recessive limb-girdle muscular dystrophy type 2J; Early-onset myopathy with fatal cardiomyopathy; Hypertrophic cardiomyopathy 9. Last evaluated: 2021-10-01. Review status: criteria provided, single submitter. Criteria: ACMG Guidelines, 2015. Collection method: clinical testing. Allele origin: unknown.

Literature cited by the submitters: PubMed 25589632 (cited by Labcorp Genetics (formerly Invitae), Labcorp); PubMed 23975875 (cited by Labcorp Genetics (formerly Invitae), Labcorp).

NM_001267550.2(TTN):c.103450G>C (p.Ala34484Pro)

Genes: TTN (titin; minus strand), TTN-AS1 (TTN antisense RNA 1; plus strand). Cytogenetic location: 2q31.2.
Variant type: single nucleotide variant.
Coding change: c.103450G>C on transcript NM_001267550.2 (MANE Select); coding-DNA position 103450, G replaced by C.
Protein change: p.Ala34484Pro; replaces alanine 34484 with proline.
Molecular consequence: missense variant.
Genome position (GRCh38, 1-based): chr2:178,533,165, C>G on the plus strand (G>C on the coding strand, the complement: TTN is on the minus strand). VCF-style: chr2-178533165-C-G. GRCh37 (hg19) VCF-style: chr2-179397892-C-G.
Other names: c.98527G>C, p.Ala32843Pro (NM_001256850.1); c.76255G>C, p.Ala25419Pro (NM_003319.4); c.95746G>C, p.Ala31916Pro (NM_133378.4); c.76630G>C, p.Ala25544Pro (NM_133432.3); c.76831G>C, p.Ala25611Pro (NM_133437.4); short protein forms A25544P, A34484P, A25419P, A31916P, A25611P, A32843P.
Identifiers: ClinVar variation 958305 (VCV000958305.11), dbSNP rs754949098, ClinGen allele CA349414243.